The following is an entry in ClinVar:

ClinVar aggregate classification (germline): Benign/Likely benign. Review status: criteria provided, multiple submitters, no conflicts (2 of 4 stars). 3 submissions from 3 submitters: Benign (1); Likely benign (2). Last evaluated 2024-12-26.

Conditions:
Hereditary nonpolyposis colorectal neoplasms. Identifiers: MedGen C0009405, MeSH D003123.
Hereditary cancer-predisposing syndrome. Also called: Hereditary Cancer Syndrome; Hereditary neoplastic syndrome; Neoplastic Syndromes, Hereditary; Tumor predisposition. Identifiers: Orphanet 140162, MedGen C0027672, MeSH D009386, MONDO:0015356.
Lynch syndrome 5 (LYNCH5). Also called: Hereditary non-polyposis colorectal cancer, type 5; Colorectal cancer, hereditary nonpolyposis, type 5. Identifiers: Orphanet 144, MedGen C1833477, MONDO:0013710, OMIM 614350. Disease mechanism: loss of function.

Submissions (3):

Myriad Genetics, Inc.
Classification: Benign for Lynch syndrome 5. Last evaluated: 2024-12-26. Review status: criteria provided, single submitter. Criteria: Myriad Autosomal Dominant, Autosomal Recessive and X-Linked Classification Criteria (2023). Collection method: clinical testing. Allele origin: unknown.
Comment: This variant is considered benign. This variant is a silent/synonymous amino acid change and it is not expected to impact splicing.

Labcorp Genetics (formerly Invitae), Labcorp
Classification: Likely benign for Hereditary nonpolyposis colorectal neoplasms. Last evaluated: 2022-12-25. Review status: criteria provided, single submitter. Criteria: Invitae Variant Classification Sherloc (09022015). Collection method: clinical testing. Allele origin: germline.

Ambry Genetics
Classification: Likely benign for Hereditary cancer-predisposing syndrome. Last evaluated: 2021-12-30. Review status: criteria provided, single submitter. Criteria: Ambry Variant Classification Scheme 2023. Collection method: clinical testing. Allele origin: germline.

NM_000179.3(MSH6):c.1521A>G (p.Arg507=)

Gene: MSH6 (mutS homolog 6; plus strand). Cytogenetic location: 2p16.3.
Variant type: single nucleotide variant.
Coding change: c.1521A>G on transcript NM_000179.3 (MANE Select); coding-DNA position 1521, A replaced by G.
Protein change: p.Arg507=; no amino-acid change (arginine 507 retained).
Molecular consequence: synonymous variant. On other transcripts: non-coding transcript variant (4), intron variant (1).
Genome position (GRCh38, 1-based): chr2:47,799,504, A>G. VCF-style: chr2-47799504-A-G. GRCh37 (hg19) VCF-style: chr2-48026643-A-G.
Other names: c.1131A>G, p.Arg377= (NM_001281492.2); c.615A>G, p.Arg205= (NM_001281493.2, NM_001281494.2, NM_001406811.1 and 6 more transcripts); c.1617A>G, p.Arg539= (NM_001406795.1, NM_001406802.1); c.1521A>G, p.Arg507= (NM_001406796.1, NM_001406798.1, NM_001406800.1 and 4 more transcripts); c.1224A>G, p.Arg408= (NM_001406797.1, NM_001406801.1, NM_001406805.1 and 10 more transcripts); c.996A>G, p.Arg332= (NM_001406799.1, NM_001406806.1, NM_001406807.1); c.1443A>G, p.Arg481= (NM_001406804.1); c.1527A>G, p.Arg509= (NM_001406813.1); and 2 more.
Identifiers: ClinVar variation 1774427 (VCV001774427.6), dbSNP rs1669341326, ClinGen allele CA426121205.